The following is an entry in ClinVar:

ClinVar aggregate classification (germline): Uncertain significance (1 of 4 stars; one submission).

Conditions:
Myofibrillar myopathy 4. Also called: Zaspopathy (type). Identifiers: Orphanet 98912, MedGen C4721886, MONDO:0012277, OMIM 609452.

Submission:

Labcorp Genetics (formerly Invitae), Labcorp
Classification: Uncertain significance for Myofibrillar myopathy 4. Last evaluated: 2023-04-24. Review status: criteria provided, single submitter. Criteria: Invitae Variant Classification Sherloc (09022015). Collection method: clinical testing. Allele origin: germline.
Comment: In summary, the available evidence is currently insufficient to determine the role of this variant in disease. Therefore, it has been classified as a Variant of Uncertain Significance. Variants that disrupt the consensus splice site are a relatively common cause of aberrant splicing (PMID: 17576681, 9536098). Algorithms developed to predict the effect of sequence changes on RNA splicing suggest that this variant may disrupt the consensus splice site. This variant has not been reported in the literature in individuals affected with LDB3-related conditions. This variant is not present in population databases (gnomAD no frequency). This sequence change affects an acceptor splice site in intron 2 of the LDB3 gene. While this variant is not anticipated to result in nonsense mediated decay, it likely alters RNA splicing and results in a disrupted protein product.

Literature cited by the submitters: PubMed 17576681; PubMed 9536098.

NM_007078.3(LDB3):c.246-1G>A

Gene: LDB3 (LIM domain binding 3; plus strand). Cytogenetic location: 10q23.2.
Variant type: single nucleotide variant.
Coding change: c.246-1G>A on transcript NM_007078.3 (MANE Select); the canonical splice acceptor site of the intron before coding-DNA position 246, G replaced by A.
Molecular consequence: splice acceptor variant.
Genome position (GRCh38, 1-based): chr10:86,680,081, G>A. VCF-style: chr10-86680081-G-A. GRCh37 (hg19) VCF-style: chr10-88439838-G-A.
Other names: c.246-1G>A (NM_001368064.1, NM_001368063.1, NM_001368068.1 and 8 more transcripts).
Identifiers: ClinVar variation 2857079 (VCV002857079.3), dbSNP rs2492572321, ClinGen allele CA377452061.